The following is an entry in ClinVar:

NM_014014.5(SNRNP200):c.860A>T (p.Asp287Val)

Gene: SNRNP200 (small nuclear ribonucleoprotein U5 subunit 200; minus strand). Cytogenetic location: 2q11.2.
Variant type: single nucleotide variant.
Coding change: c.860A>T on transcript NM_014014.5 (MANE Select); coding-DNA position 860, A replaced by T.
Protein change: p.Asp287Val; replaces aspartic acid 287 with valine.
Molecular consequence: missense variant.
Genome position (GRCh38, 1-based): chr2:96,298,837, T>A on the plus strand (A>T on the coding strand, the complement: SNRNP200 is on the minus strand). VCF-style: chr2-96298837-T-A. GRCh37 (hg19) VCF-style: chr2-96964575-T-A.
Other names: short protein forms D287V.
Identifiers: ClinVar variation 1389925 (VCV001389925.6), dbSNP rs2063935656, ClinGen allele CA347685028.
Genomic context (GRCh38, chr2:96,298,837, plus strand): 5'-ATACACTAAATATACAACTATTGTCATCTTGGCCATACCTTCAAAATCTCCAATACTTCA[T>A]CTGCCTTCTTCTGCGACACGATGGCATCATCATAGAAACGACTGAGCTGCCGCTGCAGCC-3'
Protein context (NP_054733.2, residues 277-297): DDAIVSQKKA[Asp287Val]EVLEILKTAS

ClinVar aggregate classification (germline): Uncertain significance (1 of 4 stars; one submission).

gnomAD v4.1: 1 of 1,614,178 alleles (0.000062%); highest among the groups gnomAD compares: Non-Finnish European, 0.000085%; no homozygotes.

Submission:

Labcorp Genetics (formerly Invitae), Labcorp
Classification: Uncertain significance. Last evaluated: 2021-10-28. Review status: criteria provided, single submitter. Criteria: Invitae Variant Classification Sherloc (09022015). Collection method: clinical testing. Allele origin: germline.
Comment: This sequence change replaces aspartic acid, which is acidic and polar, with valine, which is neutral and non-polar, at codon 287 of the SNRNP200 protein (p.Asp287Val). This variant is not present in population databases (gnomAD no frequency). This variant has not been reported in the literature in individuals affected with SNRNP200-related conditions. Algorithms developed to predict the effect of missense changes on protein structure and function (SIFT, PolyPhen-2, Align-GVGD) all suggest that this variant is likely to be tolerated. In summary, the available evidence is currently insufficient to determine the role of this variant in disease. Therefore, it has been classified as a Variant of Uncertain Significance.